The following is an entry in ClinVar:

NM_005228.5(EGFR):c.2413C>T (p.His805Tyr)

Genes: EGFR-AS1 (EGFR antisense RNA 1; minus strand), EGFR (epidermal growth factor receptor; plus strand). Cytogenetic location: 7p11.2.
Variant type: single nucleotide variant.
Coding change: c.2413C>T on transcript NM_005228.5 (MANE Select); coding-DNA position 2413, C replaced by T.
Protein change: p.His805Tyr; replaces histidine 805 with tyrosine.
Molecular consequence: missense variant. On other transcripts: non-coding transcript variant (1).
Genome position (GRCh38, 1-based): chr7:55,181,422, C>T. VCF-style: chr7-55181422-C-T. GRCh37 (hg19) VCF-style: chr7-55249115-C-T.
Other names: c.2278C>T, p.His760Tyr (NM_001346897.2, NM_001346899.2); c.2413C>T, p.His805Tyr (NM_001346898.2); c.2254C>T, p.His752Tyr (NM_001346900.2); c.1612C>T, p.His538Tyr (NM_001346941.2); short protein forms H538Y, H760Y, H805Y, H752Y.
Identifiers: ClinVar variation 2999534 (VCV002999534.3), dbSNP rs2128958749, ClinGen allele CA367578946.

ClinVar aggregate classification (germline): Uncertain significance (1 of 4 stars; one submission).

Conditions:
EGFR-related lung cancer (EGFR). Identifiers: MedGen CN130014.

Submission:

Labcorp Genetics (formerly Invitae), Labcorp
Classification: Uncertain significance for EGFR-related lung cancer. Last evaluated: 2023-03-13. Review status: criteria provided, single submitter. Criteria: Invitae Variant Classification Sherloc (09022015). Collection method: clinical testing. Allele origin: germline.
Comment: This variant is not present in population databases (gnomAD no frequency). This sequence change replaces histidine, which is basic and polar, with tyrosine, which is neutral and polar, at codon 805 of the EGFR protein (p.His805Tyr). This variant has not been reported in the literature in individuals affected with EGFR-related conditions. In summary, the available evidence is currently insufficient to determine the role of this variant in disease. Therefore, it has been classified as a Variant of Uncertain Significance. Advanced modeling of protein sequence and biophysical properties (such as structural, functional, and spatial information, amino acid conservation, physicochemical variation, residue mobility, and thermodynamic stability) performed at Invitae indicates that this missense variant is not expected to disrupt EGFR protein function.